The following is an entry in ClinVar:

ClinVar aggregate classification (germline): Uncertain significance (1 of 4 stars; one submission).

Conditions:
Intellectual disability, X-linked, with or without seizures, ARX-related. Also called: Mental retardation, X-linked 52; INTELLECTUAL DEVELOPMENTAL DISORDER, X-LINKED 29; MENTAL RETARDATION, X-LINKED 29; MENTAL RETARDATION, X-LINKED 32; MENTAL RETARDATION, X-LINKED 33; MENTAL RETARDATION, X-LINKED 38. Identifiers: Orphanet 777, MedGen C0796244, MONDO:0010317, OMIM 300419.
Developmental and epileptic encephalopathy, 1 (DEE1). Also called: Epileptic encephalopathy, early infantile, 1; X-linked infantile spasms; West's syndrome; Tonic spasms with clustering, arrest of psychomotor development and hypsarrhythmia on EEG; X-Linked Infantile Spasm Syndrome; OHTAHARA SYNDROME, X-LINKED. Identifiers: MedGen C3463992, MONDO:0010632, OMIM 308350. Disease mechanism: loss of function.

Allele frequency attached by ClinVar (database versions not stated): gnomAD 0.00001.

Submission:

Labcorp Genetics (formerly Invitae), Labcorp
Classification: Uncertain significance for Developmental and epileptic encephalopathy, 1; Intellectual disability, X-linked, with or without seizures, ARX-related. Last evaluated: 2025-11-05. Review status: criteria provided, single submitter. Criteria: Invitae Variant Classification Sherloc (09022015). Collection method: clinical testing. Allele origin: germline.
Comment: This sequence change replaces proline, which is neutral and non-polar, with leucine, which is neutral and non-polar, at codon 139 of the ARX protein (p.Pro139Leu). The frequency data for this variant in the population databases is considered unreliable, as metrics indicate insufficient coverage at this position in the gnomAD database. This variant has not been reported in the literature in individuals affected with ARX-related conditions. ClinVar contains an entry for this variant (Variation ID: 2950736). Invitae Evidence Modeling of protein sequence and biophysical properties (such as structural, functional, and spatial information, amino acid conservation, physicochemical variation, residue mobility, and thermodynamic stability) indicates that this missense variant is not expected to disrupt ARX protein function with a negative predictive value of 95%. In summary, the available evidence is currently insufficient to determine the role of this variant in disease. Therefore, it has been classified as a Variant of Uncertain Significance.

NM_139058.3(ARX):c.416C>T (p.Pro139Leu)

Genes: ARX (aristaless related homeobox; minus strand), LOC109610631 (aristaless related homeobox polyalanine expansion region; plus strand). Cytogenetic location: Xp21.3.
Variant type: single nucleotide variant.
Coding change: c.416C>T on transcript NM_139058.3 (MANE Select); coding-DNA position 416, C replaced by T.
Protein change: p.Pro139Leu; replaces proline 139 with leucine.
Molecular consequence: missense variant.
Genome position (GRCh38, 1-based): chrX:25,013,579, G>A on the plus strand (C>T on the coding strand, the complement: ARX is on the minus strand). VCF-style: chrX-25013579-G-A. GRCh37 (hg19) VCF-style: chrX-25031696-G-A.
Other names: short protein forms P139L.
Identifiers: ClinVar variation 2950736 (VCV002950736.3), dbSNP rs2048712647, ClinGen allele CA412613227.